The following is an entry in ClinVar:

NM_031885.5(BBS2):c.764A>C (p.Asp255Ala)

Gene: BBS2 (Bardet-Biedl syndrome 2; minus strand). Cytogenetic location: 16q13.
Variant type: single nucleotide variant.
Coding change: c.764A>C on transcript NM_031885.5 (MANE Select); coding-DNA position 764, A replaced by C.
Protein change: p.Asp255Ala; replaces aspartic acid 255 with alanine.
Molecular consequence: missense variant. On other transcripts: non-coding transcript variant (5).
Genome position (GRCh38, 1-based): chr16:56,505,990, T>G on the plus strand (A>C on the coding strand, the complement: BBS2 is on the minus strand). VCF-style: chr16-56505990-T-G. GRCh37 (hg19) VCF-style: chr16-56539902-T-G.
Other names: c.764A>C, p.Asp255Ala (NM_001377456.1); short protein forms D255A.
Identifiers: ClinVar variation 1439936 (VCV001439936.6), dbSNP rs1436713218, ClinGen allele CA395982692.

ClinVar aggregate classification (germline): Uncertain significance (1 of 4 stars; one submission).

Conditions:
Bardet-Biedl syndrome (BBS). Identifiers: Orphanet 110, MedGen C0752166, MONDO:0015229.

Allele frequency attached by ClinVar (database versions not stated): TOPMed below 0.00001.
gnomAD v4.1: 1 of 1,613,926 alleles (0.000062%); highest among the groups gnomAD compares: East Asian, 0.0022%; no homozygotes.

Submission:

Labcorp Genetics (formerly Invitae), Labcorp
Classification: Uncertain significance for Bardet-Biedl syndrome. Last evaluated: 2023-10-10. Review status: criteria provided, single submitter. Criteria: Invitae Variant Classification Sherloc (09022015). Collection method: clinical testing. Allele origin: germline.
Comment: This sequence change replaces aspartic acid, which is acidic and polar, with alanine, which is neutral and non-polar, at codon 255 of the BBS2 protein (p.Asp255Ala). This variant is present in population databases (no rsID available, gnomAD 0.06%). This variant has not been reported in the literature in individuals affected with BBS2-related conditions. ClinVar contains an entry for this variant (Variation ID: 1439936). Advanced modeling of protein sequence and biophysical properties (such as structural, functional, and spatial information, amino acid conservation, physicochemical variation, residue mobility, and thermodynamic stability) performed at Invitae indicates that this missense variant is expected to disrupt BBS2 protein function. In summary, the available evidence is currently insufficient to determine the role of this variant in disease. Therefore, it has been classified as a Variant of Uncertain Significance.